The following is an entry in ClinVar:

ClinVar aggregate classification (germline): Uncertain significance. Review status: criteria provided, multiple submitters, no conflicts (2 of 4 stars). 2 submissions from 2 submitters: Uncertain significance (2). Last evaluated 2025-04-17.

Conditions:
Long QT syndrome (LQTS). Identifiers: MedGen C0023976, MeSH D008133, MONDO:0002442. Disease mechanism: loss of function. Inheritance: Various modes of inheritance.
Cardiac arrhythmia. Also called: Cardiac rhythm disease; Arrhythmia. Identifiers: MedGen C0003811, MONDO:0007263, HP:0011675.

Submissions (2):

Labcorp Genetics (formerly Invitae), Labcorp
Classification: Uncertain significance for Long QT syndrome. Last evaluated: 2025-04-17. Review status: criteria provided, single submitter. Criteria: Invitae Variant Classification Sherloc (09022015). Collection method: clinical testing. Allele origin: germline.
Comment: This sequence change replaces valine, which is neutral and non-polar, with leucine, which is neutral and non-polar, at codon 533 of the KCNH2 protein (p.Val533Leu). This variant is not present in population databases (gnomAD no frequency). This variant has not been reported in the literature in individuals affected with KCNH2-related conditions. ClinVar contains an entry for this variant (Variation ID: 1332036). An algorithm developed to predict the effect of missense changes on protein structure and function (PolyPhen-2) suggests that this variant is likely to be disruptive. In summary, the available evidence is currently insufficient to determine the role of this variant in disease. Therefore, it has been classified as a Variant of Uncertain Significance.

Color Diagnostics, LLC DBA Color Health
Classification: Uncertain significance for Cardiac arrhythmia. Last evaluated: 2021-03-16. Review status: criteria provided, single submitter. Criteria: ACMG Guidelines, 2015. Collection method: clinical testing. Allele origin: germline.
Comment: This missense variant replaces valine with leucine at codon 533 of the KCNH2 protein. Computational prediction suggests that this variant may have deleterious impact on protein structure and function (internally defined REVEL score threshold >= 0.7, PMID: 27666373). To our knowledge, functional studies have not been reported for this variant. This variant has not been reported in individuals affected with cardiovascular disorders in the literature. This variant has not been identified in the general population by the Genome Aggregation Database (gnomAD). The available evidence is insufficient to determine the role of this variant in disease conclusively. Therefore, this variant is classified as a Variant of Uncertain Significance.

NM_000238.4(KCNH2):c.1597G>C (p.Val533Leu)

Gene: KCNH2 (potassium voltage-gated channel subfamily H member 2; minus strand). Cytogenetic location: 7q36.1.
Variant type: single nucleotide variant.
Coding change: c.1597G>C on transcript NM_000238.4 (MANE Select); coding-DNA position 1597, G replaced by C.
Protein change: p.Val533Leu; replaces valine 533 with leucine.
Molecular consequence: missense variant.
Genome position (GRCh38, 1-based): chr7:150,951,796, C>G on the plus strand (G>C on the coding strand, the complement: KCNH2 is on the minus strand). VCF-style: chr7-150951796-C-G. GRCh37 (hg19) VCF-style: chr7-150648884-C-G.
Other names: c.577G>C, p.Val193Leu (NM_001204798.2, NM_172057.3); c.1309G>C, p.Val437Leu (NM_001406753.1, NM_001406756.1); c.1420G>C, p.Val474Leu (NM_001406755.1); c.1297G>C, p.Val433Leu (NM_001406757.1); c.1597G>C, p.Val533Leu (NM_172056.3); short protein forms V193L, V533L, V474L, V433L, V437L.
Identifiers: ClinVar variation 1332036 (VCV001332036.6), dbSNP rs2116964376, ClinGen allele CA369859161.